The following is an entry in ClinVar:

ClinVar aggregate classification (germline): Uncertain significance (1 of 4 stars; one submission).

Conditions:
Fanconi renotubular syndrome 2 (FRTS2). Identifiers: MedGen C3150652, MONDO:0013247, OMIM 613388.
Hypophosphatemic nephrolithiasis/osteoporosis 1. Identifiers: Orphanet 244305, MedGen C2676786, MONDO:0012850, OMIM 612286.
Hypercalcemia, infantile, 2 (HCINF2). Identifiers: Orphanet 300547, MedGen C4310473, MONDO:0014851, OMIM 616963.

Submission:

Rare Kidney Stone Consortium and the Mayo Clinic Hyperoxaluria Center, Mayo Clinic
Classification: Uncertain significance for Fanconi renotubular syndrome 2; Hypercalcemia, infantile, 2; Hypophosphatemic nephrolithiasis/osteoporosis 1. Last evaluated: 2025-10-03. Review status: criteria provided, single submitter. Criteria: ACMG Guidelines, 2015. Collection method: research. Allele origin: germline. Observed: 1 variant allele.
Comment: ACMG:PM2

Literature cited by the submitters: PubMed 40794449.

NM_003052.5(SLC34A1):c.1549C>T (p.Leu517Phe)

Gene: SLC34A1 (solute carrier family 34 member 1; plus strand). Cytogenetic location: 5q35.3.
Variant type: single nucleotide variant.
Coding change: c.1549C>T on transcript NM_003052.5 (MANE Select); coding-DNA position 1549, C replaced by T.
Protein change: p.Leu517Phe; replaces leucine 517 with phenylalanine.
Molecular consequence: missense variant.
Genome position (GRCh38, 1-based): chr5:177,397,915, C>T. VCF-style: chr5-177397915-C-T. GRCh37 (hg19) VCF-style: chr5-176824916-C-T.
Other names: short protein forms L517F.
Identifiers: ClinVar variation 4526809 (VCV004526809.1).